The following is an entry in ClinVar:

NM_014714.4(IFT140):c.4227C>G (p.Ala1409=)

Gene: IFT140 (intraflagellar transport 140; minus strand). Cytogenetic location: 16p13.3.
Variant type: single nucleotide variant.
Coding change: c.4227C>G on transcript NM_014714.4 (MANE Select); coding-DNA position 4227, C replaced by G.
Protein change: p.Ala1409=; no amino-acid change (alanine 1409 retained).
Molecular consequence: synonymous variant.
Genome position (GRCh38, 1-based): chr16:1,511,106, G>C on the plus strand (C>G on the coding strand, the complement: IFT140 is on the minus strand). VCF-style: chr16-1511106-G-C. GRCh37 (hg19) VCF-style: chr16-1561107-G-C.
Other names: c.4227C>G (NM_014714.3).
Identifiers: ClinVar variation 1124857 (VCV001124857.13), dbSNP rs143920103, ClinGen allele CA7812823.

ClinVar aggregate classification (germline): Likely benign. Review status: criteria provided, multiple submitters, no conflicts (2 of 4 stars). 4 submissions from 4 submitters: Likely benign (3). 1 of the submissions does not count toward it. Last evaluated 2026-01-13.

Conditions:
IFT140-related disorder. Also called: IFT140-related condition.
Saldino-Mainzer syndrome (SRTD9). Also called: CONORENAL SYNDROME; short-rib thoracic dysplasia 9 with or without polydactyly; Renal dysplasia, retinal pigmentary dystrophy, cerebellar ataxia and skeletal dysplasia; SHORT-RIB THORACIC DYSPLASIA 9 WITHOUT POLYDACTYLY. Identifiers: Orphanet 140969, MedGen C1849437, MONDO:0009964, OMIM 266920.
Retinitis pigmentosa 80 (RP80). Identifiers: MedGen C4540439, MONDO:0054708, OMIM 617781.

Allele frequency attached by ClinVar (database versions not stated): ESP Exome Variant Server 0.00031; 1000 Genomes Project 30x 0.00047; 1000 Genomes Project 0.00060.
gnomAD v4.1: 114 of 1,610,574 alleles (0.0071%); highest among the groups gnomAD compares: African/African-American, 0.13%; no homozygotes.

Submissions (4):

Labcorp Genetics (formerly Invitae), Labcorp
Classification: Likely benign for Saldino-Mainzer syndrome. Last evaluated: 2026-01-13. Review status: criteria provided, single submitter. Criteria: Invitae Variant Classification Sherloc (09022015). Collection method: clinical testing. Allele origin: germline.

Blueprint Genetics
Classification: Likely benign. Last evaluated: 2024-10-23. Review status: criteria provided, single submitter. Criteria: ACMG Guidelines, 2015. Collection method: clinical testing. Allele origin: germline.

Fulgent Genetics
Classification: Likely benign for Saldino-Mainzer syndrome; Retinitis pigmentosa 80. Last evaluated: 2021-10-21. Review status: criteria provided, single submitter. Criteria: ACMG Guidelines, 2015. Collection method: clinical testing. Allele origin: unknown.

PreventionGenetics, part of Exact Sciences
Classification: Likely benign for IFT140-related condition. Last evaluated: 2019-08-13. Review status: no assertion criteria provided. Collection method: clinical testing. Allele origin: germline. Not counted in ClinVar's aggregate classification.
Comment: This variant is classified as likely benign based on ACMG/AMP sequence variant interpretation guidelines (Richards et al. 2015 PMID: 25741868, with internal and published modifications).